The following is an entry in ClinVar:

ClinVar aggregate classification (germline): Uncertain significance (1 of 4 stars; one submission).

Conditions:
Axenfeld-Rieger syndrome type 3 (RIEG3). Also called: AXENFELD-RIEGER ANOMALY WITH CARDIAC DEFECTS AND/OR SENSORINEURAL HEARING LOSS. Identifiers: Orphanet 782, MedGen C2678503, MONDO:0011233, OMIM 602482.

Allele frequency attached by ClinVar (database versions not stated): ExAC below 0.00001.

Submission:

Centre for Mendelian Genomics, University Medical Centre Ljubljana
Classification: Uncertain significance for Axenfeld-Rieger syndrome type 3. Last evaluated: 2019-09-24. Review status: criteria provided, single submitter. Criteria: ACMG Guidelines, 2015. Collection method: clinical testing. Allele origin: unknown. Affected: yes.
Comment: This variant was classified as: Uncertain significance. The available evidence on this variant's pathogenicity is insufficient or conflicting. The following ACMG criteria were applied in classifying this variant: PM2.

NM_001453.3(FOXC1):c.655C>T (p.Pro219Ser)

Gene: FOXC1 (forkhead box C1; plus strand). Cytogenetic location: 6p25.3.
Variant type: single nucleotide variant.
Coding change: c.655C>T on transcript NM_001453.3 (MANE Select); coding-DNA position 655, C replaced by T.
Protein change: p.Pro219Ser; replaces proline 219 with serine.
Molecular consequence: missense variant.
Genome position (GRCh38, 1-based): chr6:1,611,100, C>T. VCF-style: chr6-1611100-C-T. GRCh37 (hg19) VCF-style: chr6-1611335-C-T.
Other names: short protein forms P219S.
Identifiers: ClinVar variation 931149 (VCV000931149.3), dbSNP rs746629785, ClinGen allele CA3614800.